The following is an entry in ClinVar:

NM_001163435.3(TBCK):c.1370del (p.Asn457fs)

Gene: TBCK (TBC1 domain containing kinase; minus strand). Cytogenetic location: 4q24.
Variant type: Deletion.
Coding change: c.1370del on transcript NM_001163435.3 (MANE Select); coding-DNA position 1370, one base deleted (A; older notation c.1370delA).
Protein change: p.Asn457fs; shifts the reading frame from asparagine 457.
Molecular consequence: frameshift variant.
Genome position (GRCh38, 1-based): chr4:106,235,348, T deleted on the plus strand (A on the coding strand, the reverse complement: TBCK is on the minus strand); the first of 8 consecutive T bases (chr4:106,235,348-106,235,355); deleting any one gives the same sequence. VCF-style (leftmost placement, unchanged base first): chr4-106235347-GT-G. GRCh37 (hg19) VCF-style: chr4-107156504-GT-G.
Other names: NM_001163435.3(TBCK):c.1370del; p.Asn457fs; c.1370delA (NM_001163435.3, NM_001163435.2); c.1370del, p.Asn457fs (NM_001163436.4); c.1253del, p.Asn418fs (NM_001163437.3); c.854del, p.Asn285fs (NM_001290768.2); c.1181del, p.Asn394fs (NM_033115.5); short protein forms N394fs, N418fs, N285fs, N457fs.
Identifiers: ClinVar variation 225241 (VCV000225241.6), dbSNP rs746860249, ClinGen allele CA358417.

ClinVar aggregate classification (germline): Pathogenic. Review status: criteria provided, multiple submitters, no conflicts (2 of 4 stars). 5 submissions from 5 submitters: Pathogenic (4). 1 of the submissions does not count toward it. Last evaluated 2025-07-08.

Conditions:
Hypotonia, infantile, with psychomotor retardation and characteristic facies 3 (IHPRF3). Also called: TBCK-Related Neurodevelopmental Disorder. Identifiers: Orphanet 488632, MedGen C5567480, MONDO:0014823, OMIM 616900.

Submissions (5):

Women's Health and Genetics/Laboratory Corporation of America, LabCorp
Classification: Pathogenic for Hypotonia, infantile, with psychomotor retardation and characteristic facies 3. Last evaluated: 2025-07-08. Review status: criteria provided, single submitter. Criteria: LabCorp Variant Classification Summary - May 2015. Collection method: clinical testing. Allele origin: germline.
Comment: Variant summary: TBCK c.1370delA (p.Asn457ThrfsX15) results in a premature termination codon, predicted to cause a truncation of the encoded protein or absence of the protein due to nonsense mediated decay, which are commonly known mechanisms for disease. The variant was absent in 240840 control chromosomes. c.1370delA has been observed in individual(s) affected with Hypotonia, Infantile, With Psychomotor Retardation And Characteristic Facies 3 (example: Bhoj_2016). These data indicate that the variant is likely to be associated with disease. The following publication has been ascertained in the context of this evaluation (PMID: 27040691). ClinVar contains an entry for this variant (Variation ID: 225241). Based on the evidence outlined above, the variant was classified as pathogenic.

Broad Center for Mendelian Genomics, Broad Institute of MIT and Harvard
Classification: Pathogenic for Hypotonia, infantile, with psychomotor retardation and characteristic facies 3. Last evaluated: 2025-01-13. Review status: criteria provided, single submitter. Criteria: ACMG Guidelines, 2015. Collection method: curation. Allele origin: germline. Inheritance: Autosomal recessive inheritance.
Comment: The p.Asn457ThrfsTer15 variant in TBCK has been reported in 2 affected siblings, in the homozygous state, with TBCK-related intellectual disability syndrome (PMID: 27040691), and has been identified in 0.002% (1/59430) of Admixed American chromosomes by the Genome Aggregation Database (gnomAD; dbSNP rs746860249). Although this variant has been seen in the general population in a heterozygous state, its frequency is low enough to be consistent with a recessive carrier frequency. It is of note that this variant occurs in a homopolymer repeat, which could indicate that it is an artifact from sequencing. However, disease-causing variants have been reported in homopolymer regions, so this is not enough to rule out a pathogenic role. This variant has also been reported in ClinVar (Variation ID: 225241) and has been interpreted as pathogenic by OMIM. This variant is predicted to cause a frameshift, which alters the protein's amino acid sequence beginning at position 457 and leads to a premature termination codon 15 amino acids downstream. This alteration is then predicted to lead to a truncated or absent protein. Loss of function of the TBCK gene is an established disease mechanism in autosomal recessive TBCK-related intellectual disability syndrome. In summary, this variant meets criteria to be classified as pathogenic for autosomal recessive TBCK-related intellectual disability syndrome. ACMG/AMP Criteria applied: PVS1, PM2_supporting, PM3_supporting (Richards 2015).

3billion
Classification: Pathogenic for Hypotonia, infantile, with psychomotor retardation and characteristic facies 3. Last evaluated: 2024-12-19. Review status: criteria provided, single submitter. Criteria: ACMG Guidelines, 2015. Collection method: clinical testing. Allele origin: germline. Affected: yes.
Comment: The variant is observed at an extremely low frequency in the gnomAD v4.1.0 dataset (total allele frequency: <0.001%). Predicted Consequence/Location: Frameshift: predicted to result in a loss or disruption of normal protein function through nonsense-mediated decay (NMD) or protein truncation. Multiple pathogenic variants are reported downstream of the variant. The variant has been reported to be associated with TBCK-related disorder (ClinVar ID: VCV000225241 /PMID: 27040691). Therefore, this variant is classified as Pathogenic according to the recommendation of ACMG/AMP guideline.

GeneDx
Classification: Pathogenic. Last evaluated: 2024-08-28. Review status: criteria provided, single submitter. Criteria: GeneDx Variant Classification Process June 2021. Collection method: clinical testing. Allele origin: germline. Affected: yes.
Comment: Frameshift variant predicted to result in protein truncation or nonsense mediated decay in a gene for which loss of function is a known mechanism of disease; Not observed at significant frequency in large population cohorts (gnomAD); This variant is associated with the following publications: (PMID: 33240423, 35845190, 27040691)

OMIM
Classification: Pathogenic for HYPOTONIA, INFANTILE, WITH PSYCHOMOTOR RETARDATION AND CHARACTERISTIC FACIES 3. Last evaluated: 2016-05-19. Review status: no assertion criteria provided. Collection method: literature only. Allele origin: germline. Not counted in ClinVar's aggregate classification.

Literature cited by the submitters: PubMed 27040691 (cited by 3 submitters).